The following is an entry in ClinVar:

ClinVar aggregate classification (germline): Conflicting classifications of pathogenicity. Review status: criteria provided, conflicting classifications (1 of 4 stars). 7 submissions from 7 submitters: Uncertain significance (3); Likely benign (2). 2 of the submissions do not count toward it. Last evaluated 2026-02-20.

Conditions:
Fanconi anemia (FA). Also called: Fanconi's anemia. Identifiers: Orphanet 84, MedGen C0015625, MeSH D005199, MONDO:0019391.
Fanconi anemia complementation group A (FANCA). Also called: Fanconi anemia, group A; FANCA-Related Fanconi Anemia. Identifiers: Orphanet 84, MedGen C3469521, MONDO:0009215, OMIM 227650.

Allele frequency attached by ClinVar (database versions not stated): ExAC 0.00006; ESP Exome Variant Server 0.00008; gnomAD exomes 0.00008; TOPMed 0.00009.
gnomAD v4.1: 93 of 1,613,998 alleles (0.0058%); highest among the groups gnomAD compares: Admixed American, 0.037%; 1 homozygote.

Submissions (7):

St. Jude Molecular Pathology, St. Jude Children's Research Hospital
Classification: Uncertain significance for Fanconi anemia complementation group A. Last evaluated: 2026-02-20. Review status: criteria provided, single submitter. Criteria: St. Jude Assertion Criteria 2020. Collection method: clinical testing. Allele origin: germline.
Comment: The FANCA c.2072A>G p.(Asn691Ser) missense change has maximum subpopulation frequency of 0.043% in gnomAD v2.1.1. The in silico tool REVEL predicts a benig n effect on protein function, but to our knowledge this prediction has not been confirmed by functional studies. To our knowledge, this variant has not been reported in individuals with Fanconi anemia. In summary, the evidence currently available is insu fficient to determine the role of this variant in Fanconi anemia. It has therefore been classified as of uncertain significance.

Labcorp Genetics (formerly Invitae), Labcorp
Classification: Likely benign for Fanconi anemia. Last evaluated: 2026-02-01. Review status: criteria provided, single submitter. Criteria: Invitae Variant Classification Sherloc (09022015). Collection method: clinical testing. Allele origin: germline.

Fulgent Genetics
Classification: Likely benign for Fanconi anemia complementation group A. Last evaluated: 2024-05-15. Review status: criteria provided, single submitter. Criteria: ACMG Guidelines, 2015. Collection method: clinical testing. Allele origin: germline.

Quest Diagnostics Nichols Institute San Juan Capistrano
Classification: Uncertain significance. Last evaluated: 2024-02-21. Review status: criteria provided, single submitter. Criteria: Quest Diagnostics criteria. Collection method: clinical testing. Allele origin: unknown.
Comment: The FANCA c.2072A>G (p.Asn691Ser) variant has been detected in the published literature in an individual with myeloid malignancy (PMID: 31911633 (2020)) and in reportedly healthy individuals (PMIDs: 24728327 (2014) and 32546565 (2021)).The frequency of this variant in the general population, 0.00043 (15/34588 chromosomes (Genome Aggregation Database)), is uninformative in the assessment of its pathogenicity. Analysis of this variant using bioinformatics tools for the prediction of the effect of amino acid changes on protein structure and function yielded predictions that this variant is benign. Based on the available information, we are unable to determine the clinical significance of this variant.

Genetic Services Laboratory, University of Chicago
Classification: Uncertain significance. Last evaluated: 2019-08-15. Review status: criteria provided, single submitter. Criteria: ACMG Guidelines, 2015. Collection method: clinical testing. Allele origin: germline. Affected: no.

Natera, Inc.
Classification: Uncertain significance for Fanconi anemia, group A. Last evaluated: 2020-09-16. Review status: no assertion criteria provided. Collection method: clinical testing. Allele origin: germline. Not counted in ClinVar's aggregate classification.

ITMI
No classification provided. Condition: AllHighlyPenetrant. Last evaluated: 2013-09-19. Review status: no classification provided. Collection method: reference population. Allele origin: germline. Not counted in ClinVar's aggregate classification.
Comment: Please see associated publication for description of ethnicities

Literature cited by the submitters: PubMed 32546565 (cited by Quest Diagnostics Nichols Institute San Juan Capistrano); PubMed 31911633 (cited by Quest Diagnostics Nichols Institute San Juan Capistrano); PubMed 24728327 (cited by Quest Diagnostics Nichols Institute San Juan Capistrano and ITMI).

NM_000135.4(FANCA):c.2072A>G (p.Asn691Ser)

Gene: FANCA (FA complementation group A; minus strand). Cytogenetic location: 16q24.3.
Variant type: single nucleotide variant.
Coding change: c.2072A>G on transcript NM_000135.4 (MANE Select); coding-DNA position 2072, A replaced by G.
Protein change: p.Asn691Ser; replaces asparagine 691 with serine.
Molecular consequence: missense variant.
Genome position (GRCh38, 1-based): chr16:89,771,757, T>C on the plus strand (A>G on the coding strand, the complement: FANCA is on the minus strand). VCF-style: chr16-89771757-T-C. GRCh37 (hg19) VCF-style: chr16-89838165-T-C.
Other names: c.2072A>G (LRG_495t1, NM_000135.3); c.2072A>G, p.Asn691Ser (NM_001286167.3); short protein forms N691S.
Identifiers: ClinVar variation 134250 (VCV000134250.17), dbSNP rs367880372, ClinGen allele CA159263.